The following is an entry in ClinVar:

NM_001943.5(DSG2):c.1541A>C (p.Asn514Thr)

Gene: DSG2 (desmoglein 2; plus strand). Cytogenetic location: 18q12.1.
Variant type: single nucleotide variant.
Coding change: c.1541A>C on transcript NM_001943.5 (MANE Select); coding-DNA position 1541, A replaced by C.
Protein change: p.Asn514Thr; replaces asparagine 514 with threonine.
Molecular consequence: missense variant.
Genome position (GRCh38, 1-based): chr18:31,536,319, A>C. VCF-style: chr18-31536319-A-C. GRCh37 (hg19) VCF-style: chr18-29116282-A-C.
Other names: short protein forms N514T.
Identifiers: ClinVar variation 2159475 (VCV002159475.3), dbSNP rs986617814, ClinGen allele CA297741523.

ClinVar aggregate classification (germline): Uncertain significance (1 of 4 stars; one submission).

Conditions:
Arrhythmogenic right ventricular dysplasia 10. Also called: Arrhythmogenic right ventricular dysplasia/cardiomyopathy, type 10; Arrhythmogenic Right Ventricular Dysplasia/Cardiomyopathy10; ARRHYTHMOGENIC RIGHT VENTRICULAR DYSPLASIA, FAMILIAL, 10. Identifiers: MedGen C1857777, MONDO:0012434, OMIM 610193.

Allele frequency attached by ClinVar (database versions not stated): gnomAD 0.00001.

Submission:

Labcorp Genetics (formerly Invitae), Labcorp
Classification: Uncertain significance for Arrhythmogenic right ventricular dysplasia 10. Last evaluated: 2021-12-24. Review status: criteria provided, single submitter. Criteria: Invitae Variant Classification Sherloc (09022015). Collection method: clinical testing. Allele origin: germline.
Comment: This sequence change replaces asparagine, which is neutral and polar, with threonine, which is neutral and polar, at codon 514 of the DSG2 protein (p.Asn514Thr). This variant is not present in population databases (gnomAD no frequency). This variant has not been reported in the literature in individuals affected with DSG2-related conditions. Algorithms developed to predict the effect of missense changes on protein structure and function are either unavailable or do not agree on the potential impact of this missense change (SIFT: "Deleterious"; PolyPhen-2: "Probably Damaging"; Align-GVGD: "Class C0"). In summary, the available evidence is currently insufficient to determine the role of this variant in disease. Therefore, it has been classified as a Variant of Uncertain Significance.